The following is an entry in ClinVar:

NM_002691.4(POLD1):c.1260C>T (p.Phe420=)

Gene: POLD1 (DNA polymerase delta 1, catalytic subunit; plus strand). Cytogenetic location: 19q13.33.
Variant type: single nucleotide variant.
Coding change: c.1260C>T on transcript NM_002691.4 (MANE Select); coding-DNA position 1260, C replaced by T.
Protein change: p.Phe420=; no amino-acid change (phenylalanine 420 retained).
Molecular consequence: synonymous variant. On other transcripts: non-coding transcript variant (1).
Genome position (GRCh38, 1-based): chr19:50,406,199, C>T. VCF-style: chr19-50406199-C-T. GRCh37 (hg19) VCF-style: chr19-50909456-C-T.
Other names: c.1260C>T, p.Phe420= (NM_001308632.1, NM_001256849.1).
Identifiers: ClinVar variation 759809 (VCV000759809.20), dbSNP rs1601215186, ClinGen allele CA508304574.

ClinVar aggregate classification (germline): Benign/Likely benign. Review status: criteria provided, multiple submitters, no conflicts (2 of 4 stars). 6 submissions from 6 submitters: Benign (1); Likely benign (5). Last evaluated 2025-03-04.

Conditions:
POLD1-related polyposis and colorectal cancer syndrome (CRCS10). Also called: Colorectal cancer, susceptibility to, 10; Colorectal cancer 10; COLORECTAL CANCER, SUSCEPTIBILITY TO, ON CHROMOSOME 19q. Identifiers: Orphanet 220460, MedGen C2675481, MONDO:0012953, OMIM 612591.
Hereditary cancer-predisposing syndrome. Also called: Hereditary Cancer Syndrome; Hereditary neoplastic syndrome; Neoplastic Syndromes, Hereditary; Tumor predisposition. Identifiers: Orphanet 140162, MedGen C0027672, MeSH D009386, MONDO:0015356.

Allele frequency attached by ClinVar (database versions not stated): gnomAD exomes below 0.00001.
gnomAD v4.1: 4 of 1,613,858 alleles (0.00025%); highest among the groups gnomAD compares: Non-Finnish European, 0.00025%; no homozygotes.

Submissions (6):

Center for Genomic Medicine, Rigshospitalet, Copenhagen University Hospital
Classification: Likely benign. Last evaluated: 2025-03-04. Review status: criteria provided, single submitter. Criteria: ACMG Guidelines, 2015. Collection method: clinical testing. Allele origin: germline.

Myriad Genetics, Inc.
Classification: Benign for POLD1-related polyposis and colorectal cancer syndrome. Last evaluated: 2025-02-06. Review status: criteria provided, single submitter. Criteria: Myriad Autosomal Dominant, Autosomal Recessive and X-Linked Classification Criteria (2023). Collection method: clinical testing. Allele origin: unknown.
Comment: This variant is considered benign. This variant is a silent/synonymous amino acid change and it is not expected to impact splicing.

Blueprint Genetics
Classification: Likely benign. Last evaluated: 2024-01-16. Review status: criteria provided, single submitter. Criteria: ACMG Guidelines, 2015. Collection method: clinical testing. Allele origin: germline.

Labcorp Genetics (formerly Invitae), Labcorp
Classification: Likely benign for POLD1-related polyposis and colorectal cancer syndrome. Last evaluated: 2023-03-07. Review status: criteria provided, single submitter. Criteria: Invitae Variant Classification Sherloc (09022015). Collection method: clinical testing. Allele origin: germline.

Sema4
Classification: Likely benign for Hereditary cancer-predisposing syndrome. Last evaluated: 2020-10-20. Review status: criteria provided, single submitter. Criteria: Sema4 Curation Guidelines. Collection method: curation. Allele origin: germline.

Ambry Genetics
Classification: Likely benign for Hereditary cancer-predisposing syndrome. Last evaluated: 2018-04-23. Review status: criteria provided, single submitter. Criteria: Ambry Variant Classification Scheme 2023. Collection method: clinical testing. Allele origin: germline.

Literature cited by the submitters: PubMed 21636617 (cited by Ambry Genetics).